The following is an entry in ClinVar:

ClinVar aggregate classification (germline): Uncertain significance. Review status: criteria provided, multiple submitters, no conflicts (2 of 4 stars). 3 submissions from 3 submitters: Uncertain significance (2). 1 of the submissions does not count toward it. Last evaluated 2024-03-12.

Conditions:
Polycystic lipomembranous osteodysplasia with sclerosing leukoencephalopathy 2. Also called: TREM2-Related Polycystic Lipomembranous Osteodysplasia with Sclerosing Leukoencephalopathy. Identifiers: MedGen C4748657, MONDO:0020750, OMIM 618193.
TREM2-related disorder. Also called: TREM2-related condition.

Allele frequency attached by ClinVar (database versions not stated): 1000 Genomes Project 30x 0.00016.
gnomAD v4.1: 206 of 1,614,212 alleles (0.013%); highest among the groups gnomAD compares: African/African-American, 0.2%; no homozygotes.

Submissions (3):

Fulgent Genetics
Classification: Uncertain significance for Polycystic lipomembranous osteodysplasia with sclerosing leukoencephalopathy 2. Last evaluated: 2024-03-12. Review status: criteria provided, single submitter. Criteria: ACMG Guidelines, 2015. Collection method: clinical testing. Allele origin: germline.

Labcorp Genetics (formerly Invitae), Labcorp
Classification: Uncertain significance. Last evaluated: 2022-08-23. Review status: criteria provided, single submitter. Criteria: Invitae Variant Classification Sherloc (09022015). Collection method: clinical testing. Allele origin: germline.
Comment: This sequence change replaces threonine, which is neutral and polar, with methionine, which is neutral and non-polar, at codon 96 of the TREM2 protein (p.Thr96Met). This variant is present in population databases (rs2234253, gnomAD 0.2%). This variant has not been reported in the literature in individuals affected with TREM2-related conditions. ClinVar contains an entry for this variant (Variation ID: 1448028). Algorithms developed to predict the effect of missense changes on protein structure and function (SIFT, PolyPhen-2, Align-GVGD) all suggest that this variant is likely to be disruptive. In summary, the available evidence is currently insufficient to determine the role of this variant in disease. Therefore, it has been classified as a Variant of Uncertain Significance.

PreventionGenetics, part of Exact Sciences
Classification: Likely benign for TREM2-related condition. Last evaluated: 2024-09-09. Review status: no assertion criteria provided. Collection method: clinical testing. Allele origin: germline. Not counted in ClinVar's aggregate classification.
Comment: This variant is classified as likely benign based on ACMG/AMP sequence variant interpretation guidelines (Richards et al. 2015 PMID: 25741868, with internal and published modifications).

NM_018965.4(TREM2):c.287C>T (p.Thr96Met)

Gene: TREM2 (triggering receptor expressed on myeloid cells 2; minus strand). Cytogenetic location: 6p21.1.
Variant type: single nucleotide variant.
Coding change: c.287C>T on transcript NM_018965.4 (MANE Select); coding-DNA position 287, C replaced by T.
Protein change: p.Thr96Met; replaces threonine 96 with methionine.
Molecular consequence: missense variant.
Genome position (GRCh38, 1-based): chr6:41,161,367, G>A on the plus strand (C>T on the coding strand, the complement: TREM2 is on the minus strand). VCF-style: chr6-41161367-G-A. GRCh37 (hg19) VCF-style: chr6-41129105-G-A.
Other names: c.287C>T (NM_018965.3); c.287C>T, p.Thr96Met (NM_001271821.2); short protein forms T96M.
Identifiers: ClinVar variation 1448028 (VCV001448028.5), dbSNP rs2234253, ClinGen allele CA3798934.